The following is an entry in ClinVar:

NM_021009.7(UBC):c.888C>T (p.His296=)

Gene: UBC (ubiquitin C; minus strand). Cytogenetic location: 12q24.31.
Variant type: single nucleotide variant.
Coding change: c.888C>T on transcript NM_021009.7 (MANE Select); coding-DNA position 888, C replaced by T.
Protein change: p.His296=; no amino-acid change (histidine 296 retained).
Molecular consequence: synonymous variant.
Genome position (GRCh38, 1-based): chr12:124,912,884, G>A on the plus strand (C>T on the coding strand, the complement: UBC is on the minus strand). VCF-style: chr12-124912884-G-A. GRCh37 (hg19) VCF-style: chr12-125397430-G-A.
Identifiers: ClinVar variation 2643569 (VCV002643569.24), dbSNP rs140278777, ClinGen allele CA6870985.
Genomic context (GRCh38, chr12:124,912,884, plus strand): 5'-GGTCTTACCAGTCAGGGTCTTCACGAAGATCTGCATCCCACCTCTGAGACGGAGCACCAG[G>A]TGCAGGGTAGACTCTTTCTGGATGTTGTAGTCAGACAGGGTGCGCCCATCTTCCAGCTGC-3'
Protein context (NP_066289.3, residues 286-306): DYNIQKESTL[His296=]LVLRLRGGMQ

ClinVar aggregate classification (germline): Likely benign (1 of 4 stars; one submission).

Allele frequency attached by ClinVar (database versions not stated): 1000 Genomes Project 30x 0.00094; 1000 Genomes Project 0.00100; ESP Exome Variant Server 0.00131; gnomAD 0.00131; ExAC 0.00153; gnomAD exomes 0.00179.

Submission:

CeGaT Center for Human Genetics Tuebingen
Classification: Likely benign. Last evaluated: 2026-04-01. Review status: criteria provided, single submitter. Criteria: CeGaT Center For Human Genetics Tuebingen Variant Classification Criteria Version 2. Collection method: clinical testing. Allele origin: germline. Affected: yes. Observed: 5 variant alleles.
Comment: UBC: BP4, BP7